The following is an entry in ClinVar:

ClinVar aggregate classification (germline): Uncertain significance (1 of 4 stars; one submission).

gnomAD v4.1: 4 of 1,613,580 alleles (0.00025%); highest among the groups gnomAD compares: Non-Finnish European, 0.00034%; no homozygotes.

Submission:

Labcorp Genetics (formerly Invitae), Labcorp
Classification: Uncertain significance. Last evaluated: 2024-07-01. Review status: criteria provided, single submitter. Criteria: Invitae Variant Classification Sherloc (09022015). Collection method: clinical testing. Allele origin: germline.
Comment: This sequence change replaces glycine, which is neutral and non-polar, with aspartic acid, which is acidic and polar, at codon 1556 of the TOP2B protein (p.Gly1556Asp). This variant is not present in population databases (gnomAD no frequency). This variant has not been reported in the literature in individuals affected with TOP2B-related conditions. An algorithm developed to predict the effect of missense changes on protein structure and function (PolyPhen-2) suggests that this variant is likely to be tolerated. In summary, the available evidence is currently insufficient to determine the role of this variant in disease. Therefore, it has been classified as a Variant of Uncertain Significance.

NM_001330700.2(TOP2B):c.4682G>A (p.Gly1561Asp)

Gene: TOP2B (DNA topoisomerase II beta; minus strand). Cytogenetic location: 3p24.2.
Variant type: single nucleotide variant.
Coding change: c.4682G>A on transcript NM_001330700.2 (MANE Select); coding-DNA position 4682, G replaced by A.
Protein change: p.Gly1561Asp; replaces glycine 1561 with aspartic acid.
Molecular consequence: missense variant.
Genome position (GRCh38, 1-based): chr3:25,599,463, C>T on the plus strand (G>A on the coding strand, the complement: TOP2B is on the minus strand). VCF-style: chr3-25599463-C-T. GRCh37 (hg19) VCF-style: chr3-25640954-C-T.
Other names: c.4667G>A, p.Gly1556Asp (NM_001068.3); short protein forms G1561D, G1556D.
Identifiers: ClinVar variation 3656318 (VCV003656318.2).